The following is an entry in ClinVar:

ClinVar aggregate classification (germline): not provided (0 of 4 stars; one submission).

Conditions:
Preeclampsia. Identifiers: Orphanet 275555, MedGen C0032914, MONDO:0005081, HP:0100602.

Submission:

Institute of Molecular and Cell Biology, University of Tartu
No classification provided. Condition: Preeclampsia. Review status: no classification provided. Collection method: case-control. Allele origin: unknown. Affected: yes. Study: Kasak2014.
Comment: The study aimed to determine the contribution of copy number variants in the genetic etiology of normal and complicated pregnancies. The samples represented (i) maternal blood DNA drawn from healthy pregnant women during 1st or 2nd trimester and (ii) maternal and paternal blood DNA drawn at term pregnancy cases representing normal and complicated gestations (severe preeclampsia, PE; gestational diabetes, GD; small-for-gestational age newborn, SGA; large-for-gestational age newborn, LGA). We performed CNV calling based on genome-wide genotyping dataset (Illumina HumanOmniExpress-24-v1 BeadChip) by applying three algorithms, QuantiSNP, GADA (Genome Alteration Detection Algorithm) and CNstream in parallel. The acquired CNV calls were merged with HD-CNV (Hotspot Detector for Copy Number Variants) program and only the CNVs predicted by at least two programs, were considered in subsequent analysis.

Literature cited by the submitters: PubMed 25666259.

NM_001244606.1(IMMP2L):c.239+53584_239+101346del

Gene: IMMP2L (inner mitochondrial membrane peptidase subunit 2; minus strand). Cytogenetic location: 7q31.1.
Variant type: Deletion.
Coding change: c.239+53584_239+101346del on transcript NM_001244606.1; bases 53584 to 101346 of the intron after coding-DNA position 239, this stretch deleted.
Identifiers: ClinVar variation 157068 (VCV000157068.2).